The following is an entry in ClinVar:

ClinVar aggregate classification (germline): Conflicting classifications of pathogenicity. Review status: criteria provided, conflicting classifications (1 of 4 stars). 4 submissions from 4 submitters: Uncertain significance (2); Likely benign (1). 1 of the submissions does not count toward it. Last evaluated 2024-10-15.

Conditions:
Sitosterolemia 1. Identifiers: MedGen C2749759, MONDO:0020747, OMIM 210250.
ABCG8-related disorder. Also called: ABCG8-related condition.
Cardiovascular phenotype. Identifiers: MedGen CN230736.

Allele frequency attached by ClinVar (database versions not stated): gnomAD exomes 0.00002; ExAC 0.00001; gnomAD 0.00002; TOPMed 0.00004.

Submissions (4):

Labcorp Genetics (formerly Invitae), Labcorp
Classification: Uncertain significance. Last evaluated: 2024-10-15. Review status: criteria provided, single submitter. Criteria: Invitae Variant Classification Sherloc (09022015). Collection method: clinical testing. Allele origin: germline.
Comment: This sequence change replaces arginine, which is basic and polar, with glutamine, which is neutral and polar, at codon 211 of the ABCG8 protein (p.Arg211Gln). This variant is present in population databases (rs777288244, gnomAD 0.009%). This missense change has been observed in individual(s) with familial hypercholesterolemia (PMID: 32088153). ClinVar contains an entry for this variant (Variation ID: 944331). Invitae Evidence Modeling of protein sequence and biophysical properties (such as structural, functional, and spatial information, amino acid conservation, physicochemical variation, residue mobility, and thermodynamic stability) has been performed for this missense variant. However, the output from this modeling did not meet the statistical confidence thresholds required to predict the impact of this variant on ABCG8 protein function. In summary, the available evidence is currently insufficient to determine the role of this variant in disease. Therefore, it has been classified as a Variant of Uncertain Significance.

Ambry Genetics
Classification: Likely benign for Cardiovascular phenotype. Last evaluated: 2024-03-14. Review status: criteria provided, single submitter. Criteria: Ambry Variant Classification Scheme 2023. Collection method: clinical testing. Allele origin: germline.

Revvity Omics, Revvity
Classification: Uncertain significance for Sitosterolemia 1. Last evaluated: 2023-12-05. Review status: criteria provided, single submitter. Criteria: ACMG Guidelines, 2015. Collection method: clinical testing. Allele origin: germline.

PreventionGenetics, part of Exact Sciences
Classification: Uncertain significance for ABCG8-related condition. Last evaluated: 2024-05-13. Review status: no assertion criteria provided. Collection method: clinical testing. Allele origin: germline. Not counted in ClinVar's aggregate classification.
Comment: The ABCG8 c.632G>A variant is predicted to result in the amino acid substitution p.Arg211Gln. This variant has been reported in at least one individual with hypercholesterolemia (Reeskamp et al. 2020. PubMed ID: 32088153). This variant is reported in 0.011% of alleles in individuals of Latino descent in gnomAD. At this time, the clinical significance of this variant is uncertain due to the absence of conclusive functional and genetic evidence.

Literature cited by the submitters: PubMed 32088153 (cited by Labcorp Genetics (formerly Invitae), Labcorp).

NM_022437.3(ABCG8):c.632G>A (p.Arg211Gln)

Gene: ABCG8 (ATP binding cassette subfamily G member 8; plus strand). Cytogenetic location: 2p21.
Variant type: single nucleotide variant.
Coding change: c.632G>A on transcript NM_022437.3 (MANE Select); coding-DNA position 632, G replaced by A.
Protein change: p.Arg211Gln; replaces arginine 211 with glutamine.
Molecular consequence: missense variant.
Genome position (GRCh38, 1-based): chr2:43,852,424, G>A. VCF-style: chr2-43852424-G-A. GRCh37 (hg19) VCF-style: chr2-44079563-G-A.
Other names: c.632G>A, p.Arg211Gln (NM_001357321.2); short protein forms R211Q.
Identifiers: ClinVar variation 944331 (VCV000944331.11), dbSNP rs777288244, ClinGen allele CA1637098.